The following is an entry in ClinVar:

NM_000492.4(CFTR):c.2257A>T (p.Ser753Cys)

Gene: CFTR (CF transmembrane conductance regulator; plus strand). Cytogenetic location: 7q31.2.
Variant type: single nucleotide variant.
Coding change: c.2257A>T on transcript NM_000492.4 (MANE Select); coding-DNA position 2257, A replaced by T.
Protein change: p.Ser753Cys; replaces serine 753 with cysteine.
Molecular consequence: missense variant.
Genome position (GRCh38, 1-based): chr7:117,592,424, A>T. VCF-style: chr7-117592424-A-T. GRCh37 (hg19) VCF-style: chr7-117232478-A-T.
Other names: short protein forms S753C.
Identifiers: ClinVar variation 4227396 (VCV004227396.1).

ClinVar aggregate classification (germline): Uncertain significance (1 of 4 stars; one submission).

Conditions:
Cystic fibrosis (CF). Also called: MUCOVISCIDOSIS. Identifiers: Orphanet 586, MedGen C0010674, MONDO:0009061, OMIM 219700. Disease mechanism: loss of function.

Submission:

Ambry Genetics
Classification: Uncertain significance for Cystic fibrosis. Last evaluated: 2025-07-01. Review status: criteria provided, single submitter. Criteria: Ambry Variant Classification Scheme 2023. Collection method: clinical testing. Allele origin: germline.
Comment: The p.S753C variant (also known as c.2257A>T), located in coding exon 14 of the CFTR gene, results from an A to T substitution at nucleotide position 2257. The serine at codon 753 is replaced by cysteine, an amino acid with dissimilar properties. This amino acid position is conserved. In addition, the in silico prediction for this alteration is inconclusive. Based on the available evidence, the clinical significance of this variant remains unclear.